The following is an entry in ClinVar:

NM_004360.5(CDH1):c.48G>T (p.Gln16His)

Gene: CDH1 (cadherin 1; plus strand). Cytogenetic location: 16q22.1.
Variant type: single nucleotide variant.
Coding change: c.48G>T on transcript NM_004360.5 (MANE Select); coding-DNA position 48, G replaced by T.
Protein change: p.Gln16His; replaces glutamine 16 with histidine.
Molecular consequence: missense variant. On other transcripts: 5 prime UTR variant (2).
Genome position (GRCh38, 1-based): chr16:68,737,463, G>T. VCF-style: chr16-68737463-G-T. GRCh37 (hg19) VCF-style: chr16-68771366-G-T.
Other names: c.48G>T (LRG_301t1); c.48G>T, p.Gln16His (NM_001317184.2); c.-1568G>T (NM_001317185.2); c.-1772G>T (NM_001317186.2); short protein forms Q16H.
Identifiers: ClinVar variation 406629 (VCV000406629.11), dbSNP rs749591910, ClinGen allele CA8129778.

ClinVar aggregate classification (germline): Uncertain significance (1 of 4 stars; one submission).

Conditions:
Hereditary diffuse gastric adenocarcinoma (HDGC). Also called: DIFFUSE GASTRIC AND LOBULAR BREAST CANCER SYNDROME. Identifiers: Orphanet 26106, MedGen C1708349, MONDO:0007648, OMIM 137215.

Allele frequency attached by ClinVar (database versions not stated): ExAC below 0.00001; gnomAD 0.00001.

Submission:

Labcorp Genetics (formerly Invitae), Labcorp
Classification: Uncertain significance for Hereditary diffuse gastric adenocarcinoma. Last evaluated: 2024-04-29. Review status: criteria provided, single submitter. Criteria: Invitae Variant Classification Sherloc (09022015). Collection method: clinical testing. Allele origin: germline.
Comment: This sequence change replaces glutamine, which is neutral and polar, with histidine, which is basic and polar, at codon 16 of the CDH1 protein (p.Gln16His). This variant is not present in population databases (gnomAD no frequency). This variant has not been reported in the literature in individuals affected with CDH1-related conditions. ClinVar contains an entry for this variant (Variation ID: 406629). An algorithm developed to predict the effect of missense changes on protein structure and function (PolyPhen-2) suggests that this variant is likely to be tolerated. Algorithms developed to predict the effect of sequence changes on RNA splicing suggest that this variant may disrupt the consensus splice site. In summary, the available evidence is currently insufficient to determine the role of this variant in disease. Therefore, it has been classified as a Variant of Uncertain Significance.